The following is an entry in ClinVar:

NM_016038.4(SBDS):c.183_184delinsCT (p.Lys62Ter)

Gene: SBDS (SBDS ribosome maturation factor; minus strand). Cytogenetic location: 7q11.21.
Variant type: Indel.
Coding change: c.183_184delinsCT on transcript NM_016038.4 (MANE Select); coding-DNA positions 183 to 184, TA replaced by CT.
Protein change: p.Lys62Ter; replaces lysine 62 with a stop codon.
Molecular consequence: nonsense.
Genome position (GRCh38, 1-based): chr7:66,994,286-66,994,287, TA replaced by AG on the plus strand (TA replaced by CT on the coding strand, the reverse complement: SBDS is on the minus strand). VCF-style: chr7-66994286-TA-AG. GRCh37 (hg19) VCF-style: chr7-66459273-TA-AG.
Other names: c.183_184delTAinsCT, p.Lys62Ter (LRG_104t1); c.183_184delinsCT (NM_016038.3); c.183_184delTAinsCT (NM_016038.4); short protein forms K62*.
Identifiers: ClinVar variation 3195 (VCV000003195.76), dbSNP rs113993991, ClinGen allele CA340050.

ClinVar aggregate classification (germline): Pathogenic. Review status: criteria provided, multiple submitters, no conflicts (2 of 4 stars). 24 submissions from 23 submitters: Pathogenic (21). 3 of the submissions do not count toward it. Last evaluated 2026-07-14.

Conditions:
Neutropaenia consistent with ELANE mutations.
Fanconi anaemia or Bloom syndrome.
Non-Fanconi anemia cytopenia.
Shwachman syndrome. Also called: PANCREATIC INSUFFICIENCY AND BONE MARROW DYSFUNCTION; SHWACHMAN-BODIAN SYNDROME; Shwachman-Diamond Syndrome. Identifiers: Orphanet 811, MedGen C0272170, MONDO:0009833.
SBDS-related disorder. Also called: SBDS-related condition.
Aplastic anemia. Identifiers: Orphanet 182040, Orphanet 88, MedGen C0002874, MONDO:0015909, OMIM 609135, HP:0001915.
Shwachman-Diamond syndrome 1 (SDS1). Also called: LIPOMATOSIS OF PANCREAS, CONGENITAL. Identifiers: MedGen C4692625, MONDO:0044204, OMIM 260400.
Inborn genetic diseases. Identifiers: MedGen C0950123, MeSH D030342.

Submissions 1 to 13 of 24:

PreventionGenetics, part of Exact Sciences
Classification: Pathogenic for SBDS-related condition. Last evaluated: 2026-07-14. Review status: criteria provided, single submitter. Criteria: ACMG Guidelines, 2015. Collection method: clinical testing. Allele origin: germline.
Comment: The SBDS c.183_184delinsCT variant is predicted to result in premature protein termination (p.Lys62*). This variant has been reported in many individuals with Shwachman-Diamond syndrome when found with another pathogenic variant (see for example Boocock et al. 2003. PubMed ID: 12496757; Myers et al. 2014. PubMed ID: 24388329). This variant is a known two-base pair inversion variant involving the SBDS pseudogene and is frequently reported in individuals with SDS along with the c.258+2T>C variant on the opposite allele (Donadieu et al. 2012. PubMed ID: 22491737; Thompson et al. 2022. PubMed ID: 35322185). This variant is found in a highly paralogous region and is documented separately as c.183T>C and c.184A>T in gnomAD, therefore the reported gnomAD frequency for this variant may not be accurate. Loss-of-function variants in SBDS are expected to be pathogenic. This variant is interpreted as pathogenic.

Ambry Genetics
Classification: Pathogenic for Inborn genetic diseases. Last evaluated: 2026-03-29. Review status: criteria provided, single submitter. Criteria: Ambry Variant Classification Scheme 2023. Collection method: clinical testing. Allele origin: germline.
Comment: The c.183_184delTAinsCT (p.K62*) alteration, located in exon 2 (coding exon 2) of the SBDS gene, consists of an in-frame deletion of TA and insertion of CT at nucleotide positions 183 to 184. This changes the amino acid at position 62 from a lysine (K) to a stop codon. This alteration is expected to result in loss of function by premature protein truncation or nonsense-mediated mRNA decay. This variant was not reported in population-based cohorts in the Genome Aggregation Database (gnomAD). This mutation was reported in 82 of 250 disease alleles in a cohort of individuals with Shwachman-Diamond syndrome. In eight of the families studied, this mutation was found as part of a complex allele, c.[183_184delTAinsCT;258+2T>C], in trans with an isolated copy of c.258+2T>C (Boocock, 2003). In another study, this alteration was described compound heterozygous with c.258+2T>C in five individuals who presented with pancreatic insufficiency and failure to thrive; three of those individuals also had persistent neutropenia (Kawakami, 2005). A functional study in yeast cells found that this mutation resulted in complete loss of function (Shammas, 2005). Based on the available evidence, this alteration is classified as pathogenic.

North West Genomic Laboratory Hub, Manchester University NHS Foundation Trust
Classification: Pathogenic for Fanconi anaemia or Bloom syndrome; Neutropaenia consistent with ELANE mutations; Non-Fanconi anemia cytopenia. Last evaluated: 2026-03-24. Review status: criteria provided, single submitter. Criteria: ACGS Best Practice Guidelines for Variant Classification in Rare Disease 2024. Collection method: clinical testing. Allele origin: germline. Affected: yes.
Comment: PM2_Mod PVS1_VStr PM3_VStr

CeGaT Center for Human Genetics Tuebingen
Classification: Pathogenic. Last evaluated: 2026-01-01. Review status: criteria provided, single submitter. Criteria: CeGaT Center For Human Genetics Tuebingen Variant Classification Criteria Version 2. Collection method: clinical testing. Allele origin: germline. Affected: yes. Observed: 5 variant alleles.
Comment: SBDS: PVS1, PM2, PM3:Supporting

First Genomix Gene Laboratory, Genetic Diagnostics Department
Classification: Pathogenic for Shwachman-Diamond syndrome 1. Last evaluated: 2025-03-21. Review status: criteria provided, single submitter. Criteria: ACMG Guidelines, 2015. Collection method: clinical testing. Allele origin: germline. Inheritance: Autosomal recessive inheritance. Affected: no. Observed: 1 variant allele.

Greenwood Genetic Center Diagnostic Laboratories, Greenwood Genetic Center
Classification: Pathogenic for Shwachman-Diamond syndrome 1. Last evaluated: 2025-02-28. Review status: criteria provided, single submitter. Criteria: ACMG Guidelines, 2015. Collection method: clinical testing. Allele origin: germline. Affected: yes.
Comment: PVS1, PS3, PM1, PM2, PM3

Blueprint Genetics
Classification: Pathogenic for SBDS-related disorders. Last evaluated: 2024-10-09. Review status: criteria provided, single submitter. Criteria: ACMG Guidelines, 2015. Collection method: clinical testing. Allele origin: germline. Affected: yes. Observed: 5 variant alleles.

Laboratory for Molecular Medicine, Mass General Brigham Personalized Medicine
Classification: Pathogenic for Shwachman syndrome. Last evaluated: 2024-04-16. Review status: criteria provided, single submitter. Criteria: ACMG Guidelines, 2015. Collection method: clinical testing. Allele origin: germline. Inheritance: Autosomal recessive inheritance.
Comment: The p.Lys62X variant in SBDS is the most common pathogenic variant identified in individuals with Shwachman-Diamond syndrome (Boocock 2003 PMID: 12496757). This variant has also been reported by other clinical laboratories in ClinVar (Variation ID: 3195) and has been identified in 0.1% (69/59956) of Admixed American chromosomes by gnomAD (v.4.0.0); however, this allele frequency may not be accurate due to the presence of a pseudogene (SBDSP). Note that this variant was documented separately as chr7:66994286T>A and chr7:66994287A>G in gnomAD. This variant usually occurs as the result of a gene conversion event and results in the introduction of a premature termination codon at position 62. This alteration is then predicted to lead to a truncated or absent protein. Biallelic loss of function of the SBDS gene is an established disease mechanism in Shwachman-Diamond syndrome. In summary, this variant meets criteria to be classified as pathogenic for autosomal recessive Shwachman-Diamond syndrome. ACMG/AMP criteria applied: PVS1, PM3_Very Strong.

Baylor Genetics
Classification: Pathogenic for Aplastic anemia. Last evaluated: 2024-03-30. Review status: criteria provided, single submitter. Criteria: ACMG Guidelines, 2015. Collection method: clinical testing. Allele origin: unknown.

Johns Hopkins Genomics, Johns Hopkins University
Classification: Pathogenic for Shwachman-Diamond syndrome 1. Last evaluated: 2023-10-31. Review status: criteria provided, single submitter. Criteria: ACMG Guidelines, 2015. Collection method: clinical testing. Allele origin: germline.
Comment: c.183_184delinsCT is a recurring variant known to cause Shwachman-Diamond syndrome 1 and arises from a gene-conversion event between SBDS and its pseudogene SBDSP1. It has been reported in ClinVar (Variation ID 3195). This nonsense variant results in a premature stop codon in exon 2 of 5, likely leading to nonsense-mediated decay and lack of protein production. We consider c.183_184delinsCT in SBDS to be pathogenic.

Mayo Clinic Laboratories, Mayo Clinic
Classification: Pathogenic. Last evaluated: 2023-07-21. Review status: criteria provided, single submitter. Criteria: ACMG Guidelines, 2015. Collection method: clinical testing. Allele origin: germline.
Comment: PM1, PM2_moderate, PM3, PS3, PS4, PVS1

Victorian Clinical Genetics Services, Murdoch Childrens Research Institute
Classification: Pathogenic for Shwachman-Diamond syndrome 1. Last evaluated: 2023-07-17. Review status: criteria provided, single submitter. Criteria: ACMG Guidelines, 2015. Collection method: clinical testing. Allele origin: germline. Inheritance: Autosomal recessive inheritance. Affected: yes.
Comment: Based on the classification scheme VCGS_Germline_v1.3.4, this variant is classified as Pathogenic. Following criteria are met: 0102 - Loss of function is a known mechanism of disease in this gene and is associated with Shwachman-Diamond syndrome (MIM#260400). (I) 0106 - This gene is associated with autosomal recessive disease. (I) 0201 - Variant is predicted to cause nonsense-mediated decay (NMD) and loss of protein (premature termination codon is located at least 54 nucleotides upstream of the final exon-exon junction). (SP) 0251 - This variant is heterozygous. (I) 0304 - Variant is present in gnomAD <0.01 for a recessive condition. This variant is present in gnomAD (v3) separately as chr7:66994286T>A and chr7:66994287A>G (both 121 heterozygotes, 0 homozygotes). Based on their pattern of co-occurrence, these variants are likely found on the same haplotype in most individuals in gnomAD. (SP) 0702 - Other NMD-predicted variants comparable to the one identified in this case have strong previous evidence for pathogenicity. There are at least five NMD-predicted variants that have been classified as pathogenic or likely pathogenic (DECIPHER, ClinVar). (SP) 0801 - This variant has strong previous evidence of pathogenicity in unrelated individuals. This variant has been classified as pathogenic by multiple clinical diagnostic laboratories and is one of the most common pathogenic SBDS variants (ClinVar, GeneReviews, PMID: 30413969). (SP) 1201 - Heterozygous variant detected in trans with a second pathogenic heterozygous variant, NM_016038.2(SBDS):c.258+2T>C, in a recessive disease. (SP) 1208 - Inheritance information for this variant is not currently available in this individual. (I) Legend: (SP) - Supporting pathogenic, (I) - Information, (SB) - Supporting benign

Clinical Genetics Laboratory, Skane University Hospital Lund
Classification: Pathogenic. Last evaluated: 2022-07-13. Review status: criteria provided, single submitter. Criteria: ACMG Guidelines, 2015. Collection method: clinical testing. Allele origin: germline. Affected: yes.